The following is an entry in ClinVar:

ClinVar aggregate classification (germline): Pathogenic (1 of 4 stars; one submission).

Conditions:
Hereditary cancer-predisposing syndrome. Also called: Hereditary neoplastic syndrome; Neoplastic Syndromes, Hereditary; Tumor predisposition; Hereditary Cancer Syndrome. Identifiers: Orphanet 140162, MedGen C0027672, MeSH D009386, MONDO:0015356.

Submission:

Ambry Genetics
Classification: Pathogenic for Hereditary cancer-predisposing syndrome. Last evaluated: 2019-08-19. Review status: criteria provided, single submitter. Criteria: Ambry Variant Classification Scheme 2023. Collection method: clinical testing. Allele origin: germline.
Comment: The p.S2549* pathogenic mutation (also known as c.7646C>A), located in coding exon 51 of the ATM gene, results from a C to A substitution at nucleotide position 7646. This changes the amino acid from a serine to a stop codon within coding exon 51. This alteration is expected to result in loss of function by premature protein truncation or nonsense-mediated mRNA decay. As such, this alteration is interpreted as a disease-causing mutation.

NM_000051.4(ATM):c.7646C>A (p.Ser2549Ter)

Genes: ATM (ATM serine/threonine kinase; plus strand), C11orf65 (chromosome 11 open reading frame 65; minus strand). Cytogenetic location: 11q22.3.
Variant type: single nucleotide variant.
Coding change: c.7646C>A on transcript NM_000051.4 (MANE Select); coding-DNA position 7646, C replaced by A.
Protein change: p.Ser2549Ter; replaces serine 2549 with a stop codon.
Molecular consequence: nonsense. On other transcripts: intron variant (2).
Genome position (GRCh38, 1-based): chr11:108,331,895, C>A. VCF-style: chr11-108331895-C-A. GRCh37 (hg19) VCF-style: chr11-108202622-C-A.
Other names: c.7646C>A, p.Ser2549Ter (NM_001351834.2); c.641-22824G>T (NM_001330368.2); c.*38+3325G>T (NM_001351110.2); short protein forms S2549*.
Identifiers: ClinVar variation 1759957 (VCV001759957.2), dbSNP rs2547281544, ClinGen allele CA382560920.